The following is an entry in ClinVar:

NM_006883.2(SHOX):c.-646T>G

Gene: SHOX (SHOX homeobox; plus strand). Cytogenetic location: Xp22.33.
Variant type: single nucleotide variant.
Coding change: c.-646T>G on transcript NM_006883.2; 646 bases upstream of the start codon, T replaced by G.
Molecular consequence: 5 prime UTR variant.
Genome position (GRCh38, 1-based): chrX:624,389, T>G. VCF-style: chrX-624389-T-G. GRCh37 (hg19) VCF-style: chrX-585124-T-G.
Identifiers: ClinVar variation 2659855 (VCV002659855.22), dbSNP rs950355194, ClinGen allele CA325616491.

ClinVar aggregate classification (germline): Likely benign (1 of 4 stars; one submission).

Allele frequency attached by ClinVar (database versions not stated): TOPMed 0.00009; gnomAD 0.00007.

Submission:

CeGaT Center for Human Genetics Tuebingen
Classification: Likely benign. Last evaluated: 2022-12-01. Review status: criteria provided, single submitter. Criteria: CeGaT Center For Human Genetics Tuebingen Variant Classification Criteria Version 2. Collection method: clinical testing. Allele origin: germline. Affected: yes. Observed: 1 variant allele.
Comment: SHOX: BS2